The following is an entry in ClinVar:

NM_002474.3(MYH11):c.4127C>A (p.Ser1376Ter)

Genes: MYH11 (myosin heavy chain 11; minus strand), NDE1 (nudE neurodevelopment protein 1; plus strand). Cytogenetic location: 16p13.11.
Variant type: single nucleotide variant.
Coding change: c.4127C>A on transcript NM_002474.3 (MANE Select); coding-DNA position 4127, C replaced by A.
Protein change: p.Ser1376Ter; replaces serine 1376 with a stop codon.
Molecular consequence: nonsense. On other transcripts: 3 prime UTR variant (2).
Genome position (GRCh38, 1-based): chr16:15,724,399, G>T on the plus strand (C>A on the coding strand, the complement: MYH11 is on the minus strand). VCF-style: chr16-15724399-G-T. GRCh37 (hg19) VCF-style: chr16-15818256-G-T.
Other names: c.4148C>A, p.Ser1383Ter (NM_001040113.2, NM_001040114.2); c.4127C>A, p.Ser1376Ter (NM_022844.3); c.*148G>T (NM_001143979.2, NM_017668.3); short protein forms S1376*, S1383*.
Identifiers: ClinVar variation 4756864 (VCV004756864.1).

ClinVar aggregate classification (germline): Uncertain significance (1 of 4 stars; one submission).

Conditions:
Familial thoracic aortic aneurysm and aortic dissection (TAAD). Also called: Thoracic aortic aneurysms and dissections. Identifiers: Orphanet 91387, MedGen C4707243, MONDO:0019625.

Submission:

Color Diagnostics, LLC DBA Color Health
Classification: Uncertain significance for Familial thoracic aortic aneurysm and aortic dissection. Last evaluated: 2025-06-26. Review status: criteria provided, single submitter. Criteria: ACMG Guidelines, 2015. Collection method: clinical testing. Allele origin: germline.
Comment: This variant changes 1 nucleotide in exon 32 of the MYH11 gene, creating a premature translation stop signal. This variant is expected to result in an absent or non-functional protein product. To our knowledge, this variant has not been reported in individuals affected with MYH11-related disorders in the literature. This variant has not been identified in the general population by the Genome Aggregation Database (gnomAD). Clinical relevance of loss-of-function MYH11 truncation variants in autosomal dominant cardiovascular disorders is not clearly established. The available evidence is insufficient to determine the role of this variant in disease conclusively. Therefore, this variant is classified as a Variant of Uncertain Significance.